The following is an entry in ClinVar:

ClinVar aggregate classification (germline): Pathogenic (1 of 4 stars; one submission).

Conditions:
Spastic paraplegia. Identifiers: MedGen C0037772, HP:0001258.

Submission:

Labcorp Genetics (formerly Invitae), Labcorp
Classification: Pathogenic for Spastic paraplegia. Last evaluated: 2023-09-20. Review status: criteria provided, single submitter. Criteria: Invitae Variant Classification Sherloc (09022015). Collection method: clinical testing. Allele origin: germline.
Comment: This variant, c.1342_1353del, results in the deletion of 4 amino acid(s) of the CYP7B1 protein (p.Lys448_Gly451del), but otherwise preserves the integrity of the reading frame. This variant is not present in population databases (gnomAD no frequency). This variant has not been reported in the literature in individuals affected with CYP7B1-related conditions. This variant disrupts a region of the CYP7B1 protein in which other variant(s) (p.Cys449Tyr) have been determined to be pathogenic (Invitae). This suggests that this is a clinically significant region of the protein, and that variants that disrupt it are likely to be disease-causing. For these reasons, this variant has been classified as Pathogenic.

NM_004820.5(CYP7B1):c.1342_1353del (p.Lys448_Gly451del)

Gene: CYP7B1 (cytochrome P450 family 7 subfamily B member 1; minus strand). Cytogenetic location: 8q12.3.
Variant type: Deletion.
Coding change: c.1342_1353del on transcript NM_004820.5 (MANE Select); coding-DNA positions 1342 to 1353, 12 bases deleted (AAATGTCCAGGC).
Protein change: p.Lys448_Gly451del.
Molecular consequence: inframe deletion. On other transcripts: intron variant (1).
Genome position (GRCh38, 1-based): chr8:64,596,810-64,596,821, GCCTGGACATTT deleted on the plus strand (AAATGTCCAGGC on the coding strand, the reverse complement: CYP7B1 is on the minus strand); deleting any 12 consecutive bases within chr8:64,596,810-64,596,823 gives the same sequence; the c. name uses the placement nearest the transcript's 3' end. VCF-style (leftmost placement, unchanged base first): chr8-64596809-GGCCTGGACATTT-G. GRCh37 (hg19) VCF-style: chr8-65509366-GGCCTGGACATTT-G.
Other names: c.1234-6977_1234-6966del (NM_001324112.2).
Identifiers: ClinVar variation 2805536 (VCV002805536.3), dbSNP rs1805124855, ClinGen allele CA1114698412.